The following is an entry in ClinVar:

NM_000038.6(APC):c.135+3586A>C

Gene: APC (APC regulator of WNT signaling pathway; plus strand). Cytogenetic location: 5q22.2.
Variant type: single nucleotide variant.
Coding change: c.135+3586A>C on transcript NM_000038.6 (MANE Select); 3586 bases into the intron after coding-DNA position 135, A replaced by C.
Molecular consequence: intron variant.
Genome position (GRCh38, 1-based): chr5:112,758,611, A>C. VCF-style: chr5-112758611-A-C. GRCh37 (hg19) VCF-style: chr5-112094308-A-C.
Other names: c.135+3586A>C (NM_001354895.2, NM_001127510.3, NM_001354896.2 and 2 more transcripts); c.166-7715A>C (NM_001354897.2, NM_001354902.2, NM_001127511.3); c.61-7715A>C (NM_001354898.2, NM_001354904.2); c.-901+3586A>C (NM_001354906.2); c.-42-7715A>C (NM_001354900.2, NM_001354901.2, NM_001354905.2).
Identifiers: ClinVar variation 82369 (VCV000082369.2), dbSNP rs76167643, ClinGen allele CA004331.

ClinVar aggregate classification (germline): other (0 of 4 stars; one submission).

Conditions:
Familial colorectal cancer. Identifiers: MedGen CN280943, MONDO:0023113. Disease mechanism: loss of function.

Submission:

Systems Biology Platform Zhejiang California International NanoSystems Institute
Classification: other for Familial colorectal cancer. Review status: no assertion criteria provided. Collection method: not provided. Allele origin: unknown.
ClinVar note: Converted during submission from cancer to other.